The following is an entry in ClinVar:

NM_005121.3(MED13):c.2269C>G (p.Pro757Ala)

Gene: MED13 (mediator complex subunit 13; minus strand). Cytogenetic location: 17q23.2.
Variant type: single nucleotide variant.
Coding change: c.2269C>G on transcript NM_005121.3 (MANE Select); coding-DNA position 2269, C replaced by G.
Protein change: p.Pro757Ala; replaces proline 757 with alanine.
Molecular consequence: missense variant.
Genome position (GRCh38, 1-based): chr17:61,987,123, G>C on the plus strand (C>G on the coding strand, the complement: MED13 is on the minus strand). VCF-style: chr17-61987123-G-C. GRCh37 (hg19) VCF-style: chr17-60064484-G-C.
Other names: short protein forms P757A.
Identifiers: ClinVar variation 3388982 (VCV003388982.14).
Genomic context (GRCh38, chr17:61,987,123, plus strand): 5'-CCAGGTCTGAGTCATAAATCAAACTTGTTGATGGAGGACGGGCATGACTAGTAGGGCGTG[G>C]AGCATCTACAAAAGTCAATCAGAAAAATAAAATTAAAACTGCTACTACTATGCCTGTAAT-3'
Protein context (NP_005112.2, residues 747-767): LFSPSIKQDA[Pro757Ala]RPTSHARPPS

ClinVar aggregate classification (germline): Likely benign (1 of 4 stars; one submission).

gnomAD v4.1: 6 of 1,594,134 alleles (0.00038%); highest among the groups gnomAD compares: Non-Finnish European, 0.00043%; no homozygotes.

Submission:

CeGaT Center for Human Genetics Tuebingen
Classification: Likely benign. Last evaluated: 2024-10-01. Review status: criteria provided, single submitter. Criteria: CeGaT Center For Human Genetics Tuebingen Variant Classification Criteria Version 2. Collection method: clinical testing. Allele origin: germline. Affected: yes. Observed: 1 variant allele.
Comment: MED13: PM2:Supporting, BP4, BP5